The following is an entry in ClinVar:

NM_005901.6(SMAD2):c.1378T>A (p.Ser460Thr)

Gene: SMAD2 (SMAD family member 2; minus strand). Cytogenetic location: 18q21.1.
Variant type: single nucleotide variant.
Coding change: c.1378T>A on transcript NM_005901.6 (MANE Select); coding-DNA position 1378, T replaced by A.
Protein change: p.Ser460Thr; replaces serine 460 with threonine.
Molecular consequence: missense variant.
Genome position (GRCh38, 1-based): chr18:47,841,853, A>T on the plus strand (T>A on the coding strand, the complement: SMAD2 is on the minus strand). VCF-style: chr18-47841853-A-T. GRCh37 (hg19) VCF-style: chr18-45368224-A-T.
Other names: c.1378T>A, p.Ser460Thr (NM_001003652.4); c.1288T>A, p.Ser430Thr (NM_001135937.3); c.1378T>A (NM_005901.4); short protein forms S430T, S460T.
Identifiers: ClinVar variation 1314651 (VCV001314651.4), dbSNP rs2144276177, ClinGen allele CA402502534.
Genomic context (GRCh38, chr18:47,841,853, plus strand): 5'-TTAAGTCTTTTCATGGGACTTGATTGGTGAAGCTTTATGACATGCTTGAGCAACGCACTG[A>T]AGGGGATCCCATCTGAGTTAATACTTTGTCCAACCACTGTAGAGGTCCATTCAGATGAAG-3'
Protein context (NP_005892.1, residues 450-467): DKVLTQMGSP[Ser460Thr]VRCSSMS

ClinVar aggregate classification (germline): Uncertain significance. Review status: criteria provided, multiple submitters, no conflicts (2 of 4 stars). 2 submissions from 2 submitters: Uncertain significance (2). Last evaluated 2023-03-20.

Conditions:
Inborn genetic diseases. Identifiers: MedGen C0950123, MeSH D030342.

Submissions (2):

Ambry Genetics
Classification: Uncertain significance for Inborn genetic diseases. Last evaluated: 2023-03-20. Review status: criteria provided, single submitter. Criteria: Ambry Variant Classification Scheme 2023. Collection method: clinical testing. Allele origin: germline.
Comment: The p.S460T variant (also known as c.1378T>A), located in coding exon 10 of the SMAD2 gene, results from a T to A substitution at nucleotide position 1378. The serine at codon 460 is replaced by threonine, an amino acid with similar properties. This amino acid position is conserved. In addition, the in silico prediction for this alteration is inconclusive. Since supporting evidence is limited at this time, the clinical significance of this alteration remains unclear.

GeneDx
Classification: Uncertain significance. Last evaluated: 2021-04-13. Review status: criteria provided, single submitter. Criteria: GeneDx Variant Classification Process June 2021. Collection method: clinical testing. Allele origin: germline. Affected: yes.
Comment: Has not been previously published as pathogenic or benign to our knowledge; Not observed in large population cohorts (Lek et al., 2016); In silico analysis supports that this missense variant does not alter protein structure/function